The following is an entry in ClinVar:

NM_017635.5(KMT5B):c.780_781del (p.Ala261fs)

Gene: KMT5B (lysine methyltransferase 5B; minus strand). Cytogenetic location: 11q13.2.
Variant type: Microsatellite.
Coding change: c.780_781del on transcript NM_017635.5 (MANE Select); coding-DNA positions 780 to 781, 2 bases deleted (TG; older notation c.780_781delTG).
Protein change: p.Ala261fs; shifts the reading frame from alanine 261.
Molecular consequence: frameshift variant. On other transcripts: non-coding transcript variant (2).
Genome position (GRCh38, 1-based): chr11:68,171,582-68,171,583, CA deleted on the plus strand (TG on the coding strand, the reverse complement: KMT5B is on the minus strand); deleting any 2 consecutive bases within chr11:68,171,582-68,171,585 gives the same sequence; the c. name uses the placement nearest the transcript's 3' end. VCF-style (leftmost placement, unchanged base first): chr11-68171581-GCA-G. GRCh37 (hg19) VCF-style: chr11-67939048-GCA-G.
Other names: c.264_265del, p.Ala89fs (NM_001300907.1, NM_001369424.1, NM_001369428.1 and 5 more transcripts); c.60_61del, p.Ala21fs (NM_001300908.2); c.711_712del, p.Ala238fs (NM_001300909.2); c.780_781del, p.Ala261fs (NM_001363566.2, NM_001369426.1, NM_001369427.1 and 1 more transcripts); c.567_568del, p.Ala190fs (NM_001369425.1); c.780_781delTG (NM_017635.3); c.780_781del (NM_017635.3); short protein forms A190fs, A21fs, A238fs, A261fs, A89fs.
Identifiers: ClinVar variation 985030 (VCV000985030.4), dbSNP rs1565226076, ClinGen allele CA918904981.
Genomic context (GRCh38, chr11:68,171,581, plus strand): 5'-ACACCTTGGAAACACAGCTTACCATGGTTTATAAACGCAGCAGGACCCAGCCAGAGTTGA[GCA>G]CAGTTTTTCCTTGTGGAGTACATGACACTGAAGTCGTTTTCTCCATGTCTAAGTAGCATG-3'

ClinVar aggregate classification (germline): Pathogenic. Review status: criteria provided, multiple submitters, no conflicts (2 of 4 stars). 2 submissions from 2 submitters: Pathogenic (2). Last evaluated 2025-08-12.

Conditions:
Inborn genetic diseases. Identifiers: MedGen C0950123, MeSH D030342.

Submissions (2):

GeneDx
Classification: Pathogenic. Last evaluated: 2025-08-12. Review status: criteria provided, single submitter. Criteria: GeneDx Variant Classification Process June 2021. Collection method: clinical testing. Allele origin: germline. Affected: yes.
Comment: Identified as a de novo variant in an individual from a large cohort of patients with autism spectrum disorder; however, detailed clinical information was not provided (PMID: 35982160, 35982159); Frameshift variant predicted to result in protein truncation or nonsense mediated decay in a gene for which loss of function is a known mechanism of disease; Not observed at significant frequency in large population cohorts (gnomAD); This variant is associated with the following publications: (PMID: 35982159, 35982160)

Ambry Genetics
Classification: Pathogenic for Inborn genetic diseases. Last evaluated: 2017-12-11. Review status: criteria provided, single submitter. Criteria: Ambry exome assertion method (8-5-2015). Collection method: clinical testing. Allele origin: germline. Affected: yes. Observed: 1 variant allele.